The following is an entry in ClinVar:

ClinVar aggregate classification (germline): Likely benign (0 of 4 stars; one submission).

Conditions:
DYRK1B-related disorder. Also called: DYRK1B-related condition.

Allele frequency attached by ClinVar (database versions not stated): TOPMed below 0.00001; gnomAD exomes 0.00001; ExAC 0.00002.
gnomAD v4.1: 11 of 1,614,164 alleles (0.00068%); highest among the groups gnomAD compares: South Asian, 0.0033%; no homozygotes.

Submission:

PreventionGenetics, part of Exact Sciences
Classification: Likely benign for DYRK1B-related condition. Last evaluated: 2023-04-28. Review status: no assertion criteria provided. Collection method: clinical testing. Allele origin: germline.
Comment: This variant is classified as likely benign based on ACMG/AMP sequence variant interpretation guidelines (Richards et al. 2015 PMID: 25741868, with internal and published modifications).

NM_004714.3(DYRK1B):c.237G>A (p.Ser79=)

Gene: DYRK1B (dual specificity tyrosine phosphorylation regulated kinase 1B; minus strand). Cytogenetic location: 19q13.2.
Variant type: single nucleotide variant.
Coding change: c.237G>A on transcript NM_004714.3 (MANE Select); coding-DNA position 237, G replaced by A.
Protein change: p.Ser79=; no amino-acid change (serine 79 retained).
Molecular consequence: synonymous variant.
Genome position (GRCh38, 1-based): chr19:39,830,510, C>T on the plus strand (G>A on the coding strand, the complement: DYRK1B is on the minus strand). VCF-style: chr19-39830510-C-T. GRCh37 (hg19) VCF-style: chr19-40321150-C-T.
Other names: c.237G>A, p.Ser79= (NM_006483.3, NM_006484.3).
Identifiers: ClinVar variation 3053718 (VCV003053718.2), dbSNP rs749102527, ClinGen allele CA9434380.